The following is an entry in ClinVar:

ClinVar aggregate classification (germline): Likely benign (0 of 4 stars; one submission).

Conditions:
ALDH4A1-related disorder. Also called: ALDH4A1-related condition.

Submission:

PreventionGenetics, part of Exact Sciences
Classification: Likely benign for ALDH4A1-related condition. Last evaluated: 2020-04-02. Review status: no assertion criteria provided. Collection method: clinical testing. Allele origin: germline.
Comment: This variant is classified as likely benign based on ACMG/AMP sequence variant interpretation guidelines (Richards et al. 2015 PMID: 25741868, with internal and published modifications).

NM_003748.4(ALDH4A1):c.453+10T>G

Gene: ALDH4A1 (aldehyde dehydrogenase 4 family member A1; minus strand). Cytogenetic location: 1p36.13.
Variant type: single nucleotide variant.
Coding change: c.453+10T>G on transcript NM_003748.4 (MANE Select); 10 bases into the intron after coding-DNA position 453, T replaced by G.
Molecular consequence: intron variant.
Genome position (GRCh38, 1-based): chr1:18,885,463, A>C on the plus strand (T>G on the coding strand, the complement: ALDH4A1 is on the minus strand). VCF-style: chr1-18885463-A-C. GRCh37 (hg19) VCF-style: chr1-19211957-A-C.
Other names: c.453+10T>G (NM_001319218.2, NM_170726.3); c.273+10T>G (NM_001161504.2).
Identifiers: ClinVar variation 3047006 (VCV003047006.2), dbSNP rs1360449246, ClinGen allele CA521487625.